The following is an entry in ClinVar:

ClinVar aggregate classification (germline): Uncertain significance. Review status: criteria provided, multiple submitters, no conflicts (2 of 4 stars). 2 submissions from 2 submitters: Uncertain significance (2). Last evaluated 2025-09-22.

Conditions:
Hereditary cancer-predisposing syndrome. Also called: Neoplastic Syndromes, Hereditary; Tumor predisposition; Hereditary Cancer Syndrome; Hereditary neoplastic syndrome. Identifiers: Orphanet 140162, MedGen C0027672, MeSH D009386, MONDO:0015356.
Familial cancer of breast. Also called: BREAST CANCER, FAMILIAL; Hereditary breast cancer; hereditary breast carcinoma. Identifiers: Orphanet 227535, MedGen C0346153, MONDO:0016419, OMIM 114480. Disease mechanism: loss of function.

Allele frequency attached by ClinVar (database versions not stated): gnomAD exomes below 0.00001.
gnomAD v4.1: 1 of 1,614,194 alleles (0.000062%); highest among the groups gnomAD compares: African/African-American, 0.0013%; no homozygotes.

Submissions (2):

Labcorp Genetics (formerly Invitae), Labcorp
Classification: Uncertain significance for Familial cancer of breast. Last evaluated: 2025-09-22. Review status: criteria provided, single submitter. Criteria: Invitae Variant Classification Sherloc (09022015). Collection method: clinical testing. Allele origin: germline.
Comment: This sequence change replaces histidine, which is basic and polar, with arginine, which is basic and polar, at codon 723 of the BARD1 protein (p.His723Arg). This variant is not present in population databases (gnomAD no frequency). This missense change has been observed in individual(s) with breast cancer (PMID: 25452441). ClinVar contains an entry for this variant (Variation ID: 482836). An algorithm developed to predict the effect of missense changes on protein structure and function (PolyPhen-2) suggests that this variant is likely to be disruptive. In summary, the available evidence is currently insufficient to determine the role of this variant in disease. Therefore, it has been classified as a Variant of Uncertain Significance.

Ambry Genetics
Classification: Uncertain significance for Hereditary cancer-predisposing syndrome. Last evaluated: 2024-12-13. Review status: criteria provided, single submitter. Criteria: Ambry Variant Classification Scheme 2023. Collection method: clinical testing. Allele origin: germline.
Comment: The p.H723R variant (also known as c.2168A>G), located in coding exon 11 of the BARD1 gene, results from an A to G substitution at nucleotide position 2168. The histidine at codon 723 is replaced by arginine, an amino acid with highly similar properties. This alteration has been detected in cohort of individuals diagnosed with triple-negative breast cancer who were unselected for a family history of breast or ovarian cancer (Couch FJ et al. J Clin Oncol, 2015 Feb;33:304-11). This variant was also identified in a cohort of 882 Chinese individuals with a personal and/or family history of breast or ovarian cancers who underwent multi-gene panel testing for HBOC risk assessment (Shao D et al. Cancer Sci, 2020 Feb;111:647-657). This amino acid position is highly conserved in available vertebrate species. In addition, this alteration is predicted to be deleterious by in silico analysis. Based on the available evidence, the clinical significance of this variant remains unclear.

Literature cited by the submitters: PubMed 25452441 (cited by Labcorp Genetics (formerly Invitae), Labcorp and Ambry Genetics); PubMed 31742824 (cited by Ambry Genetics).

NM_000465.4(BARD1):c.2168A>G (p.His723Arg)

Gene: BARD1 (BRCA1 associated RING domain 1; minus strand). Cytogenetic location: 2q35.
Variant type: single nucleotide variant.
Coding change: c.2168A>G on transcript NM_000465.4 (MANE Select); coding-DNA position 2168, A replaced by G.
Protein change: p.His723Arg; replaces histidine 723 with arginine.
Molecular consequence: missense variant. On other transcripts: non-coding transcript variant (3).
Genome position (GRCh38, 1-based): chr2:214,728,842, T>C on the plus strand (A>G on the coding strand, the complement: BARD1 is on the minus strand). VCF-style: chr2-214728842-T-C. GRCh37 (hg19) VCF-style: chr2-215593566-T-C.
Other names: c.2111A>G, p.His704Arg (NM_001282543.2); c.815A>G, p.His272Arg (NM_001282545.2); c.758A>G, p.His253Arg (NM_001282548.2); c.629A>G, p.His210Arg (NM_001282549.2); short protein forms H723R, H272R, H253R, H210R, H704R.
Identifiers: ClinVar variation 482836 (VCV000482836.15), dbSNP rs1553612140, ClinGen allele CA350450407.